The following is an entry in ClinVar:

NM_194248.3(OTOF):c.366C>T (p.Asp122=)

Gene: OTOF (otoferlin; minus strand). Cytogenetic location: 2p23.3.
Variant type: single nucleotide variant.
Coding change: c.366C>T on transcript NM_194248.3 (MANE Select); coding-DNA position 366, C replaced by T.
Protein change: p.Asp122=; no amino-acid change (aspartic acid 122 retained).
Molecular consequence: synonymous variant.
Genome position (GRCh38, 1-based): chr2:26,516,561, G>A on the plus strand (C>T on the coding strand, the complement: OTOF is on the minus strand). VCF-style: chr2-26516561-G-A. GRCh37 (hg19) VCF-style: chr2-26739429-G-A.
Other names: c.366C>T, p.Asp122= (NM_001287489.2).
Identifiers: ClinVar variation 288920 (VCV000288920.21), dbSNP rs61747283, ClinGen allele CA1564687.

ClinVar aggregate classification (germline): Conflicting classifications of pathogenicity. Review status: criteria provided, conflicting classifications (1 of 4 stars). 6 submissions from 6 submitters: Uncertain significance (1); Benign (3); Likely benign (2). Last evaluated 2026-05-01.

Conditions:
Autosomal recessive nonsyndromic hearing loss 9. Also called: Deafness, autosomal recessive 9; AUDITORY NEUROPATHY, AUTOSOMAL RECESSIVE, 1, TEMPERATURE-SENSITIVE; NEUROSENSORY NONSYNDROMIC RECESSIVE DEAFNESS 9; OTOF-Related Hearing Loss. Identifiers: Orphanet 90636, MedGen C1832828, MONDO:0010986, OMIM 601071.

Allele frequency attached by ClinVar (database versions not stated): gnomAD exomes 0.00028 and 0.00067; ExAC 0.00086; 1000 Genomes Project 0.00200; 1000 Genomes Project 30x 0.00203; gnomAD 0.00252 and 0.00269; TOPMed 0.00280; ESP Exome Variant Server 0.00323.
gnomAD v4.1: 785 of 1,610,492 alleles (0.049%); highest among the groups gnomAD compares: African/African-American, 0.95%; 6 homozygotes.

Submissions (6):

CeGaT Center for Human Genetics Tuebingen
Classification: Likely benign. Last evaluated: 2026-05-01. Review status: criteria provided, single submitter. Criteria: CeGaT Center For Human Genetics Tuebingen Variant Classification Criteria Version 2. Collection method: clinical testing. Allele origin: germline. Affected: yes. Observed: 1 variant allele.
Comment: OTOF: BP4, BP7

Labcorp Genetics (formerly Invitae), Labcorp
Classification: Benign. Last evaluated: 2026-01-25. Review status: criteria provided, single submitter. Criteria: Invitae Variant Classification Sherloc (09022015). Collection method: clinical testing. Allele origin: germline.

Blueprint Genetics
Classification: Likely benign. Last evaluated: 2024-10-02. Review status: criteria provided, single submitter. Criteria: ACMG Guidelines, 2015. Collection method: clinical testing. Allele origin: germline.

GeneDx
Classification: Benign. Last evaluated: 2019-06-24. Review status: criteria provided, single submitter. Criteria: GeneDx Variant Classification Process June 2021. Collection method: clinical testing. Allele origin: germline. Affected: yes.

Illumina Laboratory Services, Illumina
Classification: Uncertain significance for Autosomal recessive nonsyndromic hearing loss 9. Last evaluated: 2018-01-13. Review status: criteria provided, single submitter. Criteria: ICSL Variant Classification Criteria 13 December 2019. Collection method: clinical testing. Allele origin: germline.

Eurofins Ntd Llc (ga)
Classification: Benign. Last evaluated: 2016-07-08. Review status: criteria provided, single submitter. Criteria: EGL Classification Definitions 2015. Collection method: clinical testing. Allele origin: germline. Observed: 1 variant allele, 1 heterozygote.